The following is an entry in ClinVar:

ClinVar aggregate classification (germline): Uncertain significance (1 of 4 stars; one submission).

Conditions:
Hereditary cancer-predisposing syndrome. Also called: Neoplastic Syndromes, Hereditary; Tumor predisposition; Hereditary Cancer Syndrome; Hereditary neoplastic syndrome. Identifiers: Orphanet 140162, MedGen C0027672, MeSH D009386, MONDO:0015356.

Allele frequency attached by ClinVar (database versions not stated): gnomAD exomes below 0.00001; ExAC 0.00001.
gnomAD v4.1: 2 of 1,606,592 alleles (0.00012%); highest among the groups gnomAD compares: Non-Finnish European, 0.00017%; no homozygotes.

Submission:

Ambry Genetics
Classification: Uncertain significance for Hereditary cancer-predisposing syndrome. Last evaluated: 2021-07-14. Review status: criteria provided, single submitter. Criteria: Ambry Variant Classification Scheme 2023. Collection method: clinical testing. Allele origin: germline.
Comment: The p.L75V variant (also known as c.223C>G), located in coding exon 1 of the AXIN2 gene, results from a C to G substitution at nucleotide position 223. The leucine at codon 75 is replaced by valine, an amino acid with highly similar properties. This amino acid position is conserved. In addition, this alteration is predicted to be tolerated by in silico analysis. Since supporting evidence is limited at this time, the clinical significance of this alteration remains unclear.

NM_004655.4(AXIN2):c.223C>G (p.Leu75Val)

Gene: AXIN2 (axin 2; minus strand). Cytogenetic location: 17q24.1.
Variant type: single nucleotide variant.
Coding change: c.223C>G on transcript NM_004655.4 (MANE Select); coding-DNA position 223, C replaced by G.
Protein change: p.Leu75Val; replaces leucine 75 with valine.
Molecular consequence: missense variant.
Genome position (GRCh38, 1-based): chr17:65,558,398, G>C on the plus strand (C>G on the coding strand, the complement: AXIN2 is on the minus strand). VCF-style: chr17-65558398-G-C. GRCh37 (hg19) VCF-style: chr17-63554516-G-C.
Other names: c.223C>G, p.Leu75Val (NM_001363813.1); short protein forms L75V.
Identifiers: ClinVar variation 1788245 (VCV001788245.2), dbSNP rs780394272, ClinGen allele CA8719081.
Genomic context (GRCh38, chr17:65,558,398, plus strand): 5'-ACAGGTAAGCACCGTCTTGATCGCCCAATAAGGAGTGTAAGGACTTGGTCCACCGGGTCA[G>C]AGGGGAATCCGGAGATGCCCGCCCCTCCGGCTCCCCCAACCCATCTTCGTTCCGCCTGGT-3'
Protein context (NP_004646.3, residues 65-85): PEGRASPDSP[Leu75Val]TRWTKSLHSL